The following is an entry in ClinVar:

ClinVar aggregate classification (germline): Uncertain significance (1 of 4 stars; one submission).

Conditions:
Danon disease. Also called: Glycogen Storage Disease Type IIb; ANTOPOL DISEASE; PSEUDOGLYCOGENOSIS II; GSD IIb; LYSOSOMAL GLYCOGEN STORAGE DISEASE WITHOUT ACID MALTASE DEFICIENCY. Identifiers: Orphanet 34587, MedGen C0878677, MONDO:0010281, OMIM 300257.

Submission:

Labcorp Genetics (formerly Invitae), Labcorp
Classification: Uncertain significance for Danon disease. Last evaluated: 2024-10-17. Review status: criteria provided, single submitter. Criteria: Invitae Variant Classification Sherloc (09022015). Collection method: clinical testing. Allele origin: germline.
Comment: This sequence change replaces glycine, which is neutral and non-polar, with valine, which is neutral and non-polar, at codon 85 of the LAMP2 protein (p.Gly85Val). This variant is not present in population databases (gnomAD no frequency). This variant has not been reported in the literature in individuals affected with LAMP2-related conditions. Invitae Evidence Modeling of protein sequence and biophysical properties (such as structural, functional, and spatial information, amino acid conservation, physicochemical variation, residue mobility, and thermodynamic stability) indicates that this missense variant is not expected to disrupt LAMP2 protein function with a negative predictive value of 80%. In summary, the available evidence is currently insufficient to determine the role of this variant in disease. Therefore, it has been classified as a Variant of Uncertain Significance.

NM_002294.3(LAMP2):c.254G>T (p.Gly85Val)

Gene: LAMP2 (lysosome associated membrane protein 2; minus strand). Cytogenetic location: Xq24.
Variant type: single nucleotide variant.
Coding change: c.254G>T on transcript NM_002294.3 (MANE Select); coding-DNA position 254, G replaced by T.
Protein change: p.Gly85Val; replaces glycine 85 with valine.
Molecular consequence: missense variant.
Genome position (GRCh38, 1-based): chrX:120,455,500, C>A on the plus strand (G>T on the coding strand, the complement: LAMP2 is on the minus strand). VCF-style: chrX-120455500-C-A. GRCh37 (hg19) VCF-style: chrX-119589355-C-A.
Other names: c.254G>T, p.Gly85Val (NM_001122606.1, NM_013995.2); short protein forms G85V.
Identifiers: ClinVar variation 3615593 (VCV003615593.2).